The following is an entry in ClinVar:

NM_170606.3(KMT2C):c.10733A>G (p.His3578Arg)

Gene: KMT2C (lysine methyltransferase 2C; minus strand). Cytogenetic location: 7q36.1.
Variant type: single nucleotide variant.
Coding change: c.10733A>G on transcript NM_170606.3 (MANE Select); coding-DNA position 10733, A replaced by G.
Protein change: p.His3578Arg; replaces histidine 3578 with arginine.
Molecular consequence: missense variant.
Genome position (GRCh38, 1-based): chr7:152,162,844, T>C on the plus strand (A>G on the coding strand, the complement: KMT2C is on the minus strand). VCF-style: chr7-152162844-T-C. GRCh37 (hg19) VCF-style: chr7-151859929-T-C.
Other names: short protein forms H3578R.
Identifiers: ClinVar variation 4849026 (VCV004849026.1).

ClinVar aggregate classification (germline): Uncertain significance (1 of 4 stars; one submission).

gnomAD v4.1: 14 of 1,614,020 alleles (0.00087%); highest among the groups gnomAD compares: East Asian, 0.025%; no homozygotes.

Submission:

Women's Health and Genetics/Laboratory Corporation of America, LabCorp
Classification: Uncertain significance. Last evaluated: 2026-04-27. Review status: criteria provided, single submitter. Criteria: LabCorp Variant Classification Summary - May 2015. Collection method: clinical testing. Allele origin: germline.
Comment: Variant summary: KMT2C c.10733A>G (p.His3578Arg) results in a non-conservative amino acid change in the encoded protein sequence. Algorithms developed to predict the effect of missense changes on protein structure and function are either unavailable or do not agree on the potential impact of this missense change. The variant allele was found at a frequency of 2.8e-05 in 251264 control chromosomes. The available data on variant occurrences in the general population are insufficient to allow any conclusion about variant significance. To our knowledge, no occurrence of c.10733A>G in individuals affected with KMT2C-related conditions and no experimental evidence demonstrating its impact on protein function have been reported. No submitters have cited clinical-significance assessments for this variant to ClinVar. Based on the evidence outlined above, the variant was classified as uncertain significance.